The following is an entry in ClinVar:

NM_001384474.1(LOXHD1):c.3449A>G (p.Gln1150Arg)

Gene: LOXHD1 (lipoxygenase homology PLAT domains 1; minus strand). Cytogenetic location: 18q21.1.
Variant type: single nucleotide variant.
Coding change: c.3449A>G on transcript NM_001384474.1 (MANE Select); coding-DNA position 3449, A replaced by G.
Protein change: p.Gln1150Arg; replaces glutamine 1150 with arginine.
Molecular consequence: missense variant. On other transcripts: 5 prime UTR variant (1).
Genome position (GRCh38, 1-based): chr18:46,546,960, T>C on the plus strand (A>G on the coding strand, the complement: LOXHD1 is on the minus strand). VCF-style: chr18-46546960-T-C. GRCh37 (hg19) VCF-style: chr18-44126923-T-C.
Other names: c.116A>G, p.Gln39Arg (NM_001145472.3); c.-173A>G (NM_001308013.2); c.3449A>G, p.Gln1150Arg (NM_144612.7); short protein forms Q1150R, Q39R.
Identifiers: ClinVar variation 504610 (VCV000504610.47), dbSNP rs201576880, ClinGen allele CA8952486.
Genomic context (GRCh38, chr18:46,546,960, plus strand): 5'-TGCTCCAGGGCCAGGTTGTCGAGGGGGTTGTTGTCACCGCCTCCCCTACCCTCCTCGCTC[T>C]GTGGCAGCACATAGGACTCATCCACTGGCAACAGCTCCCTGGACAGCTGGCCATCATCTT-3'
Protein context (NP_001371403.1, residues 1140-1160): LPVDESYVLP[Gln1150Arg]SEEGRGGGDN

ClinVar aggregate classification (germline): Conflicting classifications of pathogenicity. Review status: criteria provided, conflicting classifications (1 of 4 stars). 6 submissions from 6 submitters: Uncertain significance (1); Likely benign (4). 1 of the submissions does not count toward it. Last evaluated 2026-01-29.

Conditions:
LOXHD1-related disorder. Also called: LOXHD1-related condition.
Inborn genetic diseases. Identifiers: MedGen C0950123, MeSH D030342.

Allele frequency attached by ClinVar (database versions not stated): ExAC 0.00045; 1000 Genomes Project 30x 0.00078; gnomAD 0.00084 and 0.00088; ESP Exome Variant Server 0.00088; TOPMed 0.00113; gnomAD exomes 0.00013 and 0.00022; 1000 Genomes Project 0.00020.
gnomAD v4.1: 324 of 1,551,742 alleles (0.021%); highest among the groups gnomAD compares: African/African-American, 0.28%; no homozygotes.

Submissions (6):

Labcorp Genetics (formerly Invitae), Labcorp
Classification: Likely benign. Last evaluated: 2026-01-29. Review status: criteria provided, single submitter. Criteria: Invitae Variant Classification Sherloc (09022015). Collection method: clinical testing. Allele origin: germline.

Ambry Genetics
Classification: Uncertain significance for Inborn genetic diseases. Last evaluated: 2023-07-14. Review status: criteria provided, single submitter. Criteria: Ambry Variant Classification Scheme 2023. Collection method: clinical testing. Allele origin: germline.

CeGaT Center for Human Genetics Tuebingen
Classification: Likely benign. Last evaluated: 2022-07-01. Review status: criteria provided, single submitter. Criteria: CeGaT Center For Human Genetics Tuebingen Variant Classification Criteria Version 2. Collection method: clinical testing. Allele origin: germline. Affected: yes. Observed: 1 variant allele.
Comment: LOXHD1: BP4, BS1:Supporting

Laboratory for Molecular Medicine, Mass General Brigham Personalized Medicine
Classification: Likely benign. Last evaluated: 2016-06-04. Review status: criteria provided, single submitter. Criteria: LMM Criteria. Collection method: clinical testing. Allele origin: germline. Observed: 1 variant allele.
Comment: p.Gln1150Arg in exon 22 of LOXHD1: This variant is not expected to have clinical significance because it has been identified in 0.36% (10/2758) of African chrom osomes by the Exome Aggregation Consortium (ExAC ; dbSNP rs201576880). In addition, computational tools and conservation analysis does not suggest an impact to the protein.

Breakthrough Genomics
Classification: Likely benign. Review status: criteria provided, single submitter. Criteria: ACMG Guidelines, 2015. Collection method: not provided. Allele origin: germline. Inheritance: Autosomal recessive inheritance. Affected: yes.

PreventionGenetics, part of Exact Sciences
Classification: Likely benign for LOXHD1-related condition. Last evaluated: 2023-08-04. Review status: no assertion criteria provided. Collection method: clinical testing. Allele origin: germline. Not counted in ClinVar's aggregate classification.
Comment: This variant is classified as likely benign based on ACMG/AMP sequence variant interpretation guidelines (Richards et al. 2015 PMID: 25741868, with internal and published modifications).